The following is an entry in ClinVar:

ClinVar aggregate classification (germline): Conflicting classifications of pathogenicity. Review status: criteria provided, conflicting classifications (1 of 4 stars). 2 submissions from 2 submitters: Uncertain significance (1); Likely benign (1). Last evaluated 2025-10-22.

Submissions (2):

Labcorp Genetics (formerly Invitae), Labcorp
Classification: Uncertain significance. Last evaluated: 2025-10-22. Review status: criteria provided, single submitter. Criteria: Invitae Variant Classification Sherloc (09022015). Collection method: clinical testing. Allele origin: germline.
Comment: This variant, c.300_320del, results in the deletion of 7 amino acid(s) of the SLC12A2 protein (p.Ala101_Ala107del), but otherwise preserves the integrity of the reading frame. The frequency data for this variant in the population databases is considered unreliable, as metrics indicate poor data quality at this position in the gnomAD database. This variant has not been reported in the literature in individuals affected with SLC12A2-related conditions. ClinVar contains an entry for this variant (Variation ID: 2655673). Experimental studies and prediction algorithms are not available or were not evaluated, and the functional significance of this variant is currently unknown. In summary, the available evidence is currently insufficient to determine the role of this variant in disease. Therefore, it has been classified as a Variant of Uncertain Significance.

CeGaT Center for Human Genetics Tuebingen
Classification: Likely benign. Last evaluated: 2023-02-01. Review status: criteria provided, single submitter. Criteria: CeGaT Center For Human Genetics Tuebingen Variant Classification Criteria Version 2. Collection method: clinical testing. Allele origin: germline. Affected: yes. Observed: 1 variant allele.
Comment: SLC12A2: BS2

NM_001046.3(SLC12A2):c.300_320del (p.Ala101_Ala107del)

Genes: SLC12A2 (solute carrier family 12 member 2; plus strand), LOC129994526 (ATAC-STARR-seq lymphoblastoid silent region 16295; plus strand). Cytogenetic location: 5q23.3.
Variant type: Deletion.
Coding change: c.300_320del on transcript NM_001046.3 (MANE Select); coding-DNA positions 300 to 320, 21 bases deleted (GGCGGCGGCAGCGGCGGCGGC).
Protein change: p.Ala101_Ala107del.
Molecular consequence: inframe deletion. On other transcripts: non-coding transcript variant (1).
Genome position (GRCh38, 1-based): chr5:128,084,254-128,084,274, GGCGGCGGCAGCGGCGGCGGC deleted; deleting any 21 consecutive bases within chr5:128,084,243-128,084,274 gives the same sequence; the c. name uses the placement nearest the transcript's 3' end. VCF-style (leftmost placement, unchanged base first): chr5-128084242-GGCGGCGGCGGCGGCGGCGGCA-G. GRCh37 (hg19) VCF-style: chr5-127419934-GGCGGCGGCGGCGGCGGCGGCA-G.
Other names: c.300_320del, p.Ala101_Ala107del (NM_001256461.2).
Identifiers: ClinVar variation 2655673 (VCV002655673.27), dbSNP rs776231534, ClinGen allele CA3392761.